The following is an entry in ClinVar:

ClinVar aggregate classification (germline): Benign (0 of 4 stars; one submission).

Conditions:
BAZ2B-related disorder. Also called: BAZ2B-related condition.

Allele frequency attached by ClinVar (database versions not stated): 1000 Genomes Project 30x 0.07011; 1000 Genomes Project 0.07149; TOPMed 0.08335; gnomAD 0.09027; ESP Exome Variant Server 0.09407; ExAC 0.10844; gnomAD exomes 0.11864.

Submission:

PreventionGenetics, part of Exact Sciences
Classification: Benign for BAZ2B-related condition. Last evaluated: 2019-11-13. Review status: no assertion criteria provided. Collection method: clinical testing. Allele origin: germline.
Comment: This variant is classified as benign based on ACMG/AMP sequence variant interpretation guidelines (Richards et al. 2015 PMID: 25741868, with internal and published modifications).

NM_013450.4(BAZ2B):c.212T>C (p.Met71Thr)

Gene: BAZ2B (bromodomain adjacent to zinc finger domain 2B; minus strand). Cytogenetic location: 2q24.2.
Variant type: single nucleotide variant.
Coding change: c.212T>C on transcript NM_013450.4 (MANE Select); coding-DNA position 212, T replaced by C.
Protein change: p.Met71Thr; replaces methionine 71 with threonine.
Molecular consequence: missense variant. On other transcripts: intron variant (1).
Genome position (GRCh38, 1-based): chr2:159,453,735, A>G on the plus strand (T>C on the coding strand, the complement: BAZ2B is on the minus strand). VCF-style: chr2-159453735-A-G. GRCh37 (hg19) VCF-style: chr2-160310246-A-G.
Other names: c.212T>C, p.Met71Thr (NM_001289975.1, NM_001329858.2); c.146-5326T>C (NM_001329857.2); short protein forms M71T.
Identifiers: ClinVar variation 3055437 (VCV003055437.2), dbSNP rs10202670, ClinGen allele CA1925188.